The following is an entry in ClinVar:

NM_001046.3(SLC12A2):c.1670T>C (p.Val557Ala)

Gene: SLC12A2 (solute carrier family 12 member 2; plus strand). Cytogenetic location: 5q23.3.
Variant type: single nucleotide variant.
Coding change: c.1670T>C on transcript NM_001046.3 (MANE Select); coding-DNA position 1670, T replaced by C.
Protein change: p.Val557Ala; replaces valine 557 with alanine.
Molecular consequence: missense variant. On other transcripts: non-coding transcript variant (1).
Genome position (GRCh38, 1-based): chr5:128,141,878, T>C. VCF-style: chr5-128141878-T-C. GRCh37 (hg19) VCF-style: chr5-127477570-T-C.
Other names: c.1670T>C, p.Val557Ala (NM_001256461.2); short protein forms V557A.
Identifiers: ClinVar variation 2118644 (VCV002118644.4), dbSNP rs2479379986, ClinGen allele CA360745266.

ClinVar aggregate classification (germline): Uncertain significance (1 of 4 stars; one submission).

Submission:

Labcorp Genetics (formerly Invitae), Labcorp
Classification: Uncertain significance. Last evaluated: 2022-03-28. Review status: criteria provided, single submitter. Criteria: Invitae Variant Classification Sherloc (09022015). Collection method: clinical testing. Allele origin: germline.
Comment: In summary, the available evidence is currently insufficient to determine the role of this variant in disease. Therefore, it has been classified as a Variant of Uncertain Significance. Advanced modeling of protein sequence and biophysical properties (such as structural, functional, and spatial information, amino acid conservation, physicochemical variation, residue mobility, and thermodynamic stability) performed at Invitae indicates that this missense variant is not expected to disrupt SLC12A2 protein function. This variant has not been reported in the literature in individuals affected with SLC12A2-related conditions. This variant is not present in population databases (gnomAD no frequency). This sequence change replaces valine, which is neutral and non-polar, with alanine, which is neutral and non-polar, at codon 557 of the SLC12A2 protein (p.Val557Ala).